The following is an entry in ClinVar:

NM_000155.4(GALT):c.684del (p.Lys229fs)

Gene: GALT (galactose-1-phosphate uridylyltransferase; plus strand). Cytogenetic location: 9p13.3.
Variant type: Deletion.
Coding change: c.684del on transcript NM_000155.4 (MANE Select); coding-DNA position 684, one base deleted (G; older notation c.684delG).
Protein change: p.Lys229fs; shifts the reading frame from lysine 229.
Molecular consequence: frameshift variant.
Genome position (GRCh38, 1-based): chr9:34,648,453, G deleted; the last of 2 consecutive G bases (chr9:34,648,452-34,648,453); deleting either gives the same sequence. VCF-style (leftmost placement, unchanged base first): chr9-34648451-AG-A. GRCh37 (hg19) VCF-style: chr9-34648448-AG-A.
Other names: c.357del, p.Lys120fs (NM_001258332.2); short protein forms K120fs, K229fs.
Identifiers: ClinVar variation 1360292 (VCV001360292.6), dbSNP rs2132344399, ClinGen allele CA2573144592.

ClinVar aggregate classification (germline): Pathogenic (1 of 4 stars; one submission).

Conditions:
Deficiency of UDPglucose-hexose-1-phosphate uridylyltransferase. Also called: GALACTOSE-1-PHOSPHATE URIDYLYLTRANSFERASE DEFICIENCY; GALACTOSEMIA I; Transferase Deficiency Galactosemia; GALT deficiency; Galactosemia, classic. Identifiers: Orphanet 352, Orphanet 79239, MedGen C0268151, MONDO:0009258, OMIM 230400.

Submission:

Labcorp Genetics (formerly Invitae), Labcorp
Classification: Pathogenic for Deficiency of UDPglucose-hexose-1-phosphate uridylyltransferase. Last evaluated: 2021-05-22. Review status: criteria provided, single submitter. Criteria: Invitae Variant Classification Sherloc (09022015). Collection method: clinical testing. Allele origin: germline.
Comment: This sequence change creates a premature translational stop signal (p.Lys229Argfs*6) in the GALT gene. It is expected to result in an absent or disrupted protein product. Loss-of-function variants in GALT are known to be pathogenic (PMID: 22944367). This variant is not present in population databases (ExAC no frequency). This variant has not been reported in the literature in individuals with GALT-related conditions. For these reasons, this variant has been classified as Pathogenic.

Literature cited by the submitters: PubMed 22944367.